The following is an entry in ClinVar:

ClinVar aggregate classification (germline): Pathogenic (1 of 4 stars; one submission).

Submission:

GeneDx
Classification: Pathogenic. Last evaluated: 2017-07-06. Review status: criteria provided, single submitter. Criteria: GeneDx Variant Classification (06012015). Collection method: clinical testing. Allele origin: germline. Affected: yes.
Comment: The c.3900_3906+1delCAAACAGGinsGAAACAGT variant in the KMT2D gene has not been reported previously as a pathogenic variant nor as a benign variant, to our knowledge. This variant, spanning the intron-exon boundary, destroys the canonical splice donor site of intron 11 and is predicted to cause abnormal gene splicing, either leading to an abnormal message that is subject to nonsense-mediated mRNA decay, or to an abnormal protein product if the message is used for protein translation. This variant is not observed in large population cohorts (Lek et al., 2016; 1000 Genomes Consortium et al., 2015; Exome Variant Server). We interpret c.3900_3906+1delCAAACAGGinsGAAACAGT as a pathogenic variant.

NM_003482.4(KMT2D):c.3900_3906+1delinsGAAACAGT

Genes: KMT2D (lysine methyltransferase 2D; minus strand), LOC126861520 (CDK7 strongly-dependent group 2 enhancer GRCh37_chr12:49442744-49443943; plus strand). Cytogenetic location: 12q13.12.
Variant type: Indel.
Coding change: c.3900_3906+1delinsGAAACAGT on transcript NM_003482.4 (MANE Select); coding-DNA position 3900 through the canonical splice donor site of the intron after coding-DNA position 3906, CAAACAGG replaced by GAAACAGT.
Molecular consequence: splice donor variant.
Genome position (GRCh38, 1-based): chr12:49,049,681-49,049,688, CCTGTTTG replaced by ACTGTTTC on the plus strand (CAAACAGG replaced by GAAACAGT on the coding strand, the reverse complement: KMT2D is on the minus strand). VCF-style: chr12-49049681-CCTGTTTG-ACTGTTTC. GRCh37 (hg19) VCF-style: chr12-49443464-CCTGTTTG-ACTGTTTC.
Other names: c.3900_3906+1delCAAACAGGinsGAAACAGT (NM_003482.3).
Identifiers: ClinVar variation 450549 (VCV000450549.1), dbSNP rs1555195933, ClinGen allele CA658658147.